The following is an entry in ClinVar:

ClinVar aggregate classification (germline): Benign/Likely benign. Review status: criteria provided, multiple submitters, no conflicts (2 of 4 stars). 3 submissions from 3 submitters: Benign (1); Likely benign (2). Last evaluated 2024-11-11.

Conditions:
Renal cell carcinoma. Identifiers: Orphanet 217071, MedGen C0007134, MeSH D002292, MONDO:0005086, HP:0005584.
Hereditary cancer-predisposing syndrome. Also called: Tumor predisposition; Hereditary neoplastic syndrome; Hereditary Cancer Syndrome; Neoplastic Syndromes, Hereditary. Identifiers: Orphanet 140162, MedGen C0027672, MeSH D009386, MONDO:0015356.
Papillary renal cell carcinoma type 1 (RCCP1). Also called: RENAL CELL CARCINOMA, PAPILLARY, 1, SOMATIC; Renal adenocarcinoma; Renal cell carcinoma 1; Renal cell carcinoma, somatic. Identifiers: Orphanet 47044, MedGen C1336839, OMIM 605074, HP:0011797.

gnomAD v4.1: 1 of 1,613,962 alleles (0.000062%); highest among the groups gnomAD compares: East Asian, 0.0022%; no homozygotes.

Submissions (3):

Myriad Genetics, Inc.
Classification: Benign for Papillary renal cell carcinoma type 1. Last evaluated: 2024-11-11. Review status: criteria provided, single submitter. Criteria: Myriad Autosomal Dominant, Autosomal Recessive and X-Linked Classification Criteria (2023). Collection method: clinical testing. Allele origin: unknown.
Comment: This variant is considered benign. This variant is a silent/synonymous amino acid change and it is not expected to impact splicing.

Ambry Genetics
Classification: Likely benign for Hereditary cancer-predisposing syndrome. Last evaluated: 2023-03-20. Review status: criteria provided, single submitter. Criteria: Ambry Variant Classification Scheme 2023. Collection method: clinical testing. Allele origin: germline.

Labcorp Genetics (formerly Invitae), Labcorp
Classification: Likely benign for Renal cell carcinoma. Last evaluated: 2021-01-22. Review status: criteria provided, single submitter. Criteria: Invitae Variant Classification Sherloc (09022015). Collection method: clinical testing. Allele origin: germline.

NM_000245.4(MET):c.2475G>A (p.Gly825=)

Gene: MET (MET proto-oncogene, receptor tyrosine kinase; plus strand). Cytogenetic location: 7q31.2.
Variant type: single nucleotide variant.
Coding change: c.2475G>A on transcript NM_000245.4 (MANE Select); coding-DNA position 2475, G replaced by A.
Protein change: p.Gly825=; no amino-acid change (glycine 825 retained).
Molecular consequence: synonymous variant.
Genome position (GRCh38, 1-based): chr7:116,763,160, G>A. VCF-style: chr7-116763160-G-A. GRCh37 (hg19) VCF-style: chr7-116403214-G-A.
Other names: c.2529G>A (NM_001127500.1); c.2529G>A, p.Gly843= (NM_001127500.3); c.2475G>A, p.Gly825= (NM_001324401.3); c.1185G>A, p.Gly395= (NM_001324402.2).
Identifiers: ClinVar variation 1673694 (VCV001673694.10), dbSNP rs891908277, ClinGen allele CA457441258.